The following is an entry in ClinVar:

NM_001375405.1(CEP120):c.1944G>A (p.Thr648=)

Gene: CEP120 (centrosomal protein 120; minus strand). Cytogenetic location: 5q23.2.
Variant type: single nucleotide variant.
Coding change: c.1944G>A on transcript NM_001375405.1 (MANE Select); coding-DNA position 1944, G replaced by A.
Protein change: p.Thr648=; no amino-acid change (threonine 648 retained).
Molecular consequence: synonymous variant. On other transcripts: non-coding transcript variant (1).
Genome position (GRCh38, 1-based): chr5:123,382,806, C>T on the plus strand (G>A on the coding strand, the complement: CEP120 is on the minus strand). VCF-style: chr5-123382806-C-T. GRCh37 (hg19) VCF-style: chr5-122718500-C-T.
Other names: c.1866G>A, p.Thr622= (NM_001166226.2); c.1809G>A, p.Thr603= (NM_001375406.1); c.1944G>A, p.Thr648= (NM_001375407.1, NM_153223.4); c.1371G>A, p.Thr457= (NM_001375408.1, NM_001375409.1); c.1944G>A (NM_153223.3).
Identifiers: ClinVar variation 3630366 (VCV003630366.4).
Genomic context (GRCh38, chr5:123,382,806, plus strand): 5'-AAATATATCTTCTTGCATCTCCTTCCACATTTCTAGCTCAAGTGCTGCTTTGTATTCTAA[C>T]GTTTCACGAGGCTCTGTCTGGATCTCTGAAGGACAAGGTGCTGGAGGAAGAGAAGACGGC-3'
Protein context (NP_001362334.1, residues 638-658): PSEIQTEPRE[Thr648=]LEYKAALELE

ClinVar aggregate classification (germline): Likely benign. Review status: criteria provided, multiple submitters, no conflicts (2 of 4 stars). 3 submissions from 3 submitters: Likely benign (3). Last evaluated 2026-08-11.

Conditions:
Short-rib thoracic dysplasia 13 with or without polydactyly (SRTD13). Identifiers: Orphanet 474, MedGen C4225378, MONDO:0014577, OMIM 616300.
CEP120-related disorder. Also called: CEP120-related condition; CEP120-Related Disorders.

gnomAD v4.1: 42 of 1,613,270 alleles (0.0026%); highest among the groups gnomAD compares: Middle Eastern, 0.016%; no homozygotes.

Submissions (3):

PreventionGenetics, part of Exact Sciences
Classification: Likely benign for CEP120-related condition. Last evaluated: 2026-08-11. Review status: criteria provided, single submitter. Criteria: ACMG Guidelines, 2015. Collection method: clinical testing. Allele origin: germline.
Comment: This variant is classified as likely benign based on ACMG/AMP sequence variant interpretation guidelines (Richards et al. 2015 PMID: 25741868, with internal and published modifications).

Labcorp Genetics (formerly Invitae), Labcorp
Classification: Likely benign for Short-rib thoracic dysplasia 13 with or without polydactyly. Last evaluated: 2025-07-06. Review status: criteria provided, single submitter. Criteria: Invitae Variant Classification Sherloc (09022015). Collection method: clinical testing. Allele origin: germline.

Blueprint Genetics
Classification: Likely benign. Last evaluated: 2024-03-05. Review status: criteria provided, single submitter. Criteria: ACMG Guidelines, 2015. Collection method: clinical testing. Allele origin: germline.